The following is an entry in ClinVar:

NM_213655.5(WNK1):c.2227C>T (p.Pro743Ser)

Gene: WNK1 (WNK lysine deficient protein kinase 1; plus strand). Cytogenetic location: 12p13.33.
Variant type: single nucleotide variant.
Coding change: c.2227C>T on transcript NM_213655.5 (MANE Plus Clinical); coding-DNA position 2227, C replaced by T.
Protein change: p.Pro743Ser; replaces proline 743 with serine.
Molecular consequence: missense variant. On other transcripts: intron variant (3).
Genome position (GRCh38, 1-based): chr12:865,197, C>T. VCF-style: chr12-865197-C-T. GRCh37 (hg19) VCF-style: chr12-974363-C-T.
Other names: c.2140-2669C>T (NM_001184985.2); c.2139+2927C>T (NM_018979.4, NM_014823.3); c.2227C>T (NM_213655.4); short protein forms P743S.
Identifiers: ClinVar variation 1945380 (VCV001945380.6), dbSNP rs913535690, ClinGen allele CA231495638.

ClinVar aggregate classification (germline): Uncertain significance. Review status: criteria provided, multiple submitters, no conflicts (2 of 4 stars). 2 submissions from 2 submitters: Uncertain significance (2). Last evaluated 2026-01-17.

Conditions:
WNK1-related disorder. Also called: WNK1-related condition.
Neuropathy, hereditary sensory and autonomic, type 2A (HSAN2A). Also called: WNK1-Related HSAN2 (HSAN2A); ACROOSTEOLYSIS, GIACCAI TYPE; ACROOSTEOLYSIS, NEUROGENIC; MORVAN DISEASE; NEUROPATHY, CONGENITAL SENSORY; NEUROPATHY, HEREDITARY SENSORY RADICULAR, AUTOSOMAL RECESSIVE. Identifiers: Orphanet 970, MedGen C2752089, MONDO:0024309, OMIM 201300.
Pseudohypoaldosteronism type 2C (PHA2C). Also called: Pseudohypoaldosteronism Type IIC. Identifiers: Orphanet 757, Orphanet 88940, MedGen C1840391, MONDO:0013778, OMIM 614492.

Allele frequency attached by ClinVar (database versions not stated): gnomAD exomes below 0.00001; gnomAD 0.00002; TOPMed 0.00002.
gnomAD v4.1: 4 of 1,535,858 alleles (0.00026%); highest among the groups gnomAD compares: African/African-American, 0.0055%; no homozygotes.

Submissions (2):

PreventionGenetics, part of Exact Sciences
Classification: Uncertain significance for WNK1-related condition. Last evaluated: 2026-01-17. Review status: criteria provided, single submitter. Criteria: ACMG Guidelines, 2015. Collection method: clinical testing. Allele origin: germline.
Comment: The WNK1 c.2227C>T variant is predicted to result in the amino acid substitution p.Pro743Ser. To our knowledge, this variant has not been reported in the literature. This variant is reported in 0.013% of alleles in individuals of African descent in gnomAD. At this time, the clinical significance of this variant is uncertain due to the absence of conclusive functional and genetic evidence.

Labcorp Genetics (formerly Invitae), Labcorp
Classification: Uncertain significance for Neuropathy, hereditary sensory and autonomic, type 2A; Pseudohypoaldosteronism type 2C. Last evaluated: 2022-06-07. Review status: criteria provided, single submitter. Criteria: Invitae Variant Classification Sherloc (09022015). Collection method: clinical testing. Allele origin: germline.
Comment: This variant has not been reported in the literature in individuals affected with WNK1-related conditions. In summary, the available evidence is currently insufficient to determine the role of this variant in disease. Therefore, it has been classified as a Variant of Uncertain Significance. Advanced modeling of protein sequence and biophysical properties (such as structural, functional, and spatial information, amino acid conservation, physicochemical variation, residue mobility, and thermodynamic stability) performed at Invitae indicates that this missense variant is not expected to disrupt WNK1 protein function. This variant is present in population databases (no rsID available, gnomAD 0.01%). This sequence change replaces proline, which is neutral and non-polar, with serine, which is neutral and polar, at codon 743 of the WNK1 protein (p.Pro743Ser).